The following is an entry in ClinVar:

NM_000891.3(KCNJ2):c.1222C>G (p.Leu408Val)

Gene: KCNJ2 (potassium inwardly rectifying channel subfamily J member 2; plus strand). Cytogenetic location: 17q24.3.
Variant type: single nucleotide variant.
Coding change: c.1222C>G on transcript NM_000891.3 (MANE Select); coding-DNA position 1222, C replaced by G.
Protein change: p.Leu408Val; replaces leucine 408 with valine.
Molecular consequence: missense variant.
Genome position (GRCh38, 1-based): chr17:70,176,261, C>G. VCF-style: chr17-70176261-C-G. GRCh37 (hg19) VCF-style: chr17-68172402-C-G.
Other names: p.Leu408Val; short protein forms L408V.
Identifiers: ClinVar variation 1194680 (VCV001194680.12), dbSNP rs753757610, ClinGen allele CA8738808.

ClinVar aggregate classification (germline): Conflicting classifications of pathogenicity. Review status: criteria provided, conflicting classifications (1 of 4 stars). 6 submissions from 6 submitters: Uncertain significance (3); Benign (1); Likely benign (2). Last evaluated 2025-10-12.

Conditions:
Familial long QT syndrome (RWS). Also called: Congenital long QT syndrome; Romano-Ward syndrome; VENTRICULAR FIBRILLATION WITH PROLONGED QT INTERVAL. Identifiers: Orphanet 768, MedGen C1141890, MONDO:0019171.
Andersen Tawil syndrome (LQT7). Also called: ANDERSEN CARDIODYSRHYTHMIC PERIODIC PARALYSIS; LONG QT SYNDROME 7; PERIODIC PARALYSIS, POTASSIUM-SENSITIVE CARDIODYSRHYTHMIC TYPE; Andersen Syndrome; Potassium-sensitive periodic paralysis, ventricular ectopy, and dysmorphic features. Identifiers: Orphanet 37553, MedGen C1563715, MONDO:0008222, OMIM 170390.
Short QT syndrome type 3. Identifiers: Orphanet 51083, MedGen C1865018, MONDO:0012314, OMIM 609622.
Cardiovascular phenotype. Identifiers: MedGen CN230736.

Allele frequency attached by ClinVar (database versions not stated): ExAC 0.00002; gnomAD exomes 0.00003 and 0.00004; TOPMed 0.00004; gnomAD 0.00005.
gnomAD v4.1: 46 of 1,613,992 alleles (0.0029%); highest among the groups gnomAD compares: Non-Finnish European, 0.0035%; no homozygotes.

Submissions (6):

Labcorp Genetics (formerly Invitae), Labcorp
Classification: Uncertain significance for Short QT syndrome type 3; Andersen Tawil syndrome. Last evaluated: 2025-10-12. Review status: criteria provided, single submitter. Criteria: Invitae Variant Classification Sherloc (09022015). Collection method: clinical testing. Allele origin: germline.
Comment: This sequence change replaces leucine, which is neutral and non-polar, with valine, which is neutral and non-polar, at codon 408 of the KCNJ2 protein (p.Leu408Val). This variant is present in population databases (rs753757610, gnomAD 0.009%). This missense change has been observed in individual(s) with left ventricular noncompaction and/or sudden cardiac death (PMID: 28798025, 31534214). ClinVar contains an entry for this variant (Variation ID: 1194680). Invitae Evidence Modeling of protein sequence and biophysical properties (such as structural, functional, and spatial information, amino acid conservation, physicochemical variation, residue mobility, and thermodynamic stability) indicates that this missense variant is not expected to disrupt KCNJ2 protein function with a negative predictive value of 95%. In summary, the available evidence is currently insufficient to determine the role of this variant in disease. Therefore, it has been classified as a Variant of Uncertain Significance.

Athena Diagnostics
Classification: Likely benign. Last evaluated: 2024-04-11. Review status: criteria provided, single submitter. Criteria: Athena Diagnostics Criteria. Collection method: clinical testing. Allele origin: unknown.

Petrovsky National Research Centre of Surgery, The Federal Agency for Scientific Organizations
Classification: Uncertain significance for Familial long QT syndrome. Last evaluated: 2023-12-01. Review status: criteria provided, single submitter. Criteria: ACMG Guidelines, 2015. Collection method: clinical testing. Allele origin: germline. Affected: yes.
Comment: The NM_000891:c.1222C>G is in The Genome Aggregation Database (gnomAD) v2.1.1 and v4.0.0 with total MAF 0.00004247 and 0.00002850 respectively (Date of access 01-12-2023). Clinvar contains an entry for this variant (Variation ID: 1194680). This variant has been reported in 1 study in patient with Sudden death and 1 study in pathient(s) with LQTS (PMID: 31534214, 28798025). Most in silico predictors show beign result of the protein change. In accordance with ACMG(2015) criteria this variant is classified as Variant of Uncertain Significance (VUS) with following criteria selected: BP4.

Ambry Genetics
Classification: Benign for Cardiovascular phenotype. Last evaluated: 2023-11-10. Review status: criteria provided, single submitter. Criteria: Ambry Variant Classification Scheme 2023. Collection method: clinical testing. Allele origin: germline.

Clinical Genomics Laboratory, Stanford Medicine
Classification: Uncertain significance for Andersen Tawil syndrome. Last evaluated: 2022-11-22. Review status: criteria provided, single submitter. Criteria: ACMG Guidelines, 2015. Collection method: clinical testing. Allele origin: germline. Observed: 1 variant allele, 1 heterozygote.
Comment: The p.Leu408Val variant in the KCNJ2 gene has been previously reported in an individual with idiopathic fibrosis and sudden cardiac death (Lahrouchi et al., 2020). This variant has been identified in 9/128,928 European non-Finnish chromosomes (12/282,548 chromosomes overall) with 1 homozygous occurrence by the Genome Aggregation Database This variant is present in ClinVar (Variation ID: 1194680). The leucine at position 408 is moderately evolutionarily conserved. Computational tools predict that the p.Leu408Val variant is neither deleterious nor benign; however, the accuracy of in silico algorithms is limited. These data were assessed using the ACMG/AMP variant interpretation guidelines. In summary, the significance of the p.Leu408Val variant is uncertain. Additional information is needed to resolve the significance of this variant. [ACMG evidence codes used: BS1_Supporting]

GeneDx
Classification: Likely benign. Last evaluated: 2019-01-22. Review status: criteria provided, single submitter. Criteria: GeneDx Variant Classification Process June 2021. Collection method: clinical testing. Allele origin: germline. Affected: yes.
Comment: This variant is associated with the following publications: (PMID: 31534214)

Literature cited by the submitters: PubMed 28798025 (cited by 4 submitters); PubMed 31534214 (cited by 5 submitters).